The following is an entry in ClinVar:

NM_000135.4(FANCA):c.6dup (p.Asp3fs)

Genes: FANCA (FA complementation group A; minus strand), LOC112486223 (Sharpr-MPRA regulatory region 3988; plus strand). Cytogenetic location: 16q24.3.
Variant type: Duplication.
Coding change: c.6dup on transcript NM_000135.4 (MANE Select); coding-DNA position 6, one base duplicated (C; older notation c.6dupC).
Protein change: p.Asp3fs; shifts the reading frame from aspartic acid 3.
Molecular consequence: frameshift variant.
Genome position (GRCh38, 1-based): chr16:89,816,610, G duplicated on the plus strand (C on the coding strand, the reverse complement: FANCA is on the minus strand); the first of 2 consecutive G bases (chr16:89,816,610-89,816,611); duplicating either gives the same sequence. VCF-style (leftmost placement, unchanged base first): chr16-89816609-C-CG. GRCh37 (hg19) VCF-style: chr16-89883017-C-CG.
Other names: c.6dup, p.Asp3fs (NM_001018112.3, NM_001286167.3, NM_001351830.2); short protein forms D3fs.
Identifiers: ClinVar variation 5012015 (VCV005012015.1).

ClinVar aggregate classification (germline): Pathogenic (1 of 4 stars; one submission).

Conditions:
Fanconi anemia complementation group A (FANCA). Also called: Fanconi anemia, group A; FANCA-Related Fanconi Anemia. Identifiers: Orphanet 84, MedGen C3469521, MONDO:0009215, OMIM 227650.

Submission:

Myriad Genetics, Inc.
Classification: Pathogenic for Fanconi anemia complementation group A. Last evaluated: 2023-09-27. Review status: criteria provided, single submitter. Criteria: Myriad Autosomal Dominant, Autosomal Recessive and X-Linked Classification Criteria (2023). Collection method: clinical testing. Allele origin: unknown.
Comment: NM_000135.2(FANCA):c.6dupC(D3Rfs*34) is expected to be pathogenic in the context of Fanconi anemia complementation group A. This variant is predicted to lead to an abnormal or absent protein product due to the creation of a premature termination codon in FANCA, a gene where loss-of-function variants are known to be pathogenic. Please note: this variant was assessed in the context of healthy population screening.